The following is an entry in ClinVar:

NM_022458.4(LMBR1):c.52G>A (p.Val18Met)

Genes: LMBR1 (limb development membrane protein 1; minus strand), LOC129999727 (ATAC-STARR-seq lymphoblastoid silent region 18853; plus strand). Cytogenetic location: 7q36.3.
Variant type: single nucleotide variant.
Coding change: c.52G>A on transcript NM_022458.4 (MANE Select); coding-DNA position 52, G replaced by A.
Protein change: p.Val18Met; replaces valine 18 with methionine.
Molecular consequence: missense variant. On other transcripts: 5 prime UTR variant (7), non-coding transcript variant (2).
Genome position (GRCh38, 1-based): chr7:156,892,942, C>T on the plus strand (G>A on the coding strand, the complement: LMBR1 is on the minus strand). VCF-style: chr7-156892942-C-T. GRCh37 (hg19) VCF-style: chr7-156685636-C-T.
Other names: c.62G>A, p.Ser21Asn (NM_001363412.2); c.-601G>A (NM_001363413.2); c.52G>A, p.Val18Met (NM_001350953.2, NM_001363409.2, NM_001363410.2); c.-88G>A (NM_001350954.2); c.-581G>A (NM_001350955.2); c.-483G>A (NM_001350956.2, NM_001350958.2); c.-416G>A (NM_001350957.2, NM_001363411.2); short protein forms S21N, V18M.
Identifiers: ClinVar variation 3620831 (VCV003620831.2).

ClinVar aggregate classification (germline): Uncertain significance (1 of 4 stars; one submission).

gnomAD v4.1: 58 of 1,540,640 alleles (0.0038%); highest among the groups gnomAD compares: Non-Finnish European, 0.0049%; no homozygotes.

Submission:

Labcorp Genetics (formerly Invitae), Labcorp
Classification: Uncertain significance. Last evaluated: 2024-05-30. Review status: criteria provided, single submitter. Criteria: Invitae Variant Classification Sherloc (09022015). Collection method: clinical testing. Allele origin: germline.
Comment: This sequence change replaces valine, which is neutral and non-polar, with methionine, which is neutral and non-polar, at codon 18 of the LMBR1 protein (p.Val18Met). This variant is present in population databases (rs147215221, gnomAD 0.004%). This variant has not been reported in the literature in individuals affected with LMBR1-related conditions. An algorithm developed to predict the effect of missense changes on protein structure and function (PolyPhen-2) suggests that this variant is likely to be tolerated. In summary, the available evidence is currently insufficient to determine the role of this variant in disease. Therefore, it has been classified as a Variant of Uncertain Significance.